The following is an entry in ClinVar:

ClinVar aggregate classification (germline): Benign (1 of 4 stars; one submission).

Allele frequency attached by ClinVar (database versions not stated): gnomAD 0.21795 and 0.22866; TOPMed 0.24387; 1000 Genomes Project 0.24689; 1000 Genomes Project 30x 0.25536.
gnomAD v4.1: 24,121 of 111,164 alleles (22%); highest among the groups gnomAD compares: African/African-American, 66%; 5,035 homozygotes.

Submission:

GeneDx
Classification: Benign. Last evaluated: 2018-06-19. Review status: criteria provided, single submitter. Criteria: GeneDx Variant Classification (06012015). Collection method: clinical testing. Allele origin: germline. Affected: yes.
Comment: This variant is considered likely benign or benign based on one or more of the following criteria: it is a conservative change, it occurs at a poorly conserved position in the protein, it is predicted to be benign by multiple in silico algorithms, and/or has population frequency not consistent with disease.

NM_000284.4(PDHA1):c.1009-211T>C

Gene: PDHA1 (pyruvate dehydrogenase E1 subunit alpha 1; plus strand). Cytogenetic location: Xp22.12.
Variant type: single nucleotide variant.
Coding change: c.1009-211T>C on transcript NM_000284.4 (MANE Select); 211 bases into the intron before coding-DNA position 1009, T replaced by C.
Molecular consequence: intron variant.
Genome position (GRCh38, 1-based): chrX:19,359,278, T>C. VCF-style: chrX-19359278-T-C. GRCh37 (hg19) VCF-style: chrX-19377396-T-C.
Other names: c.1123-211T>C (NM_001173454.2); c.1030-211T>C (NM_001173455.2); c.916-211T>C (NM_001173456.2).
Identifiers: ClinVar variation 683404 (VCV000683404.1), dbSNP rs5955549, ClinGen allele CA327030955.